The following is an entry in ClinVar:

NM_002485.5(NBN):c.2188C>T (p.Gln730Ter)

Gene: NBN (nibrin; minus strand). Cytogenetic location: 8q21.3.
Variant type: single nucleotide variant.
Coding change: c.2188C>T on transcript NM_002485.5 (MANE Select); coding-DNA position 2188, C replaced by T.
Protein change: p.Gln730Ter; replaces glutamine 730 with a stop codon.
Molecular consequence: nonsense.
Genome position (GRCh38, 1-based): chr8:89,937,072, G>A on the plus strand (C>T on the coding strand, the complement: NBN is on the minus strand). VCF-style: chr8-89937072-G-A. GRCh37 (hg19) VCF-style: chr8-90949300-G-A.
Other names: c.1942C>T, p.Gln648Ter (NM_001024688.3); short protein forms Q730*, Q648*.
Identifiers: ClinVar variation 530714 (VCV000530714.7), dbSNP rs1554554267, ClinGen allele CA371674836.

ClinVar aggregate classification (germline): Pathogenic (1 of 4 stars; one submission).

Conditions:
Microcephaly, normal intelligence and immunodeficiency (NBS). Also called: Immunodeficiency, microcephaly with normal intelligence; Ataxia telangiectasia variant V1; IMMUNODEFICIENCY, MICROCEPHALY, AND CHROMOSOMAL INSTABILITY; BERLIN BREAKAGE SYNDROME; SEEMANOVA SYNDROME II; Nijmegen breakage syndrome. Identifiers: Orphanet 647, MedGen C0398791, MONDO:0009623, OMIM 251260.

Submission:

Labcorp Genetics (formerly Invitae), Labcorp
Classification: Pathogenic for Microcephaly, normal intelligence and immunodeficiency. Last evaluated: 2021-12-08. Review status: criteria provided, single submitter. Criteria: Invitae Variant Classification Sherloc (09022015). Collection method: clinical testing. Allele origin: germline.
Comment: This sequence change creates a premature translational stop signal (p.Gln730*) in the NBN gene. It is expected to result in an absent or disrupted protein product. Loss-of-function variants in NBN are known to be pathogenic (PMID: 9590180, 16415040). This variant is not present in population databases (gnomAD no frequency). This variant has not been reported in the literature in individuals affected with NBN-related conditions. ClinVar contains an entry for this variant (Variation ID: 530714). For these reasons, this variant has been classified as Pathogenic.

Literature cited by the submitters: PubMed 9590180; PubMed 16415040.